The following is an entry in ClinVar:

ClinVar aggregate classification (germline): Uncertain significance (1 of 4 stars; one submission).

Conditions:
Immunodeficiency 31B. Also called: STAT1 DEFICIENCY, AUTOSOMAL RECESSIVE; IMMUNODEFICIENCY 31B, MYCOBACTERIAL AND VIRAL INFECTIONS, AUTOSOMAL RECESSIVE. Identifiers: Orphanet 391311, MedGen C3151088, MONDO:0013427, OMIM 613796.
Autoimmune enteropathy and endocrinopathy - susceptibility to chronic infections syndrome. Also called: Immunodeficiency 31C; Immunodeficiency 31C, autosomal dominant. Identifiers: Orphanet 391487, MedGen C3279990, MONDO:0013599, OMIM 614162.
Mendelian susceptibility to mycobacterial diseases due to partial STAT1 deficiency. Also called: STAT1 DEFICIENCY, AUTOSOMAL DOMINANT; Immunodeficiency 31a; IMMUNODEFICIENCY 31A, MYCOBACTERIOSIS, AUTOSOMAL DOMINANT. Identifiers: Orphanet 319595, MedGen C4013950, MONDO:0013956, OMIM 614892.

Submission:

Labcorp Genetics (formerly Invitae), Labcorp
Classification: Uncertain significance for Mendelian susceptibility to mycobacterial diseases due to partial STAT1 deficiency; Immunodeficiency 31B; Autoimmune enteropathy and endocrinopathy - susceptibility to chronic infections syndrome. Last evaluated: 2022-09-18. Review status: criteria provided, single submitter. Criteria: Invitae Variant Classification Sherloc (09022015). Collection method: clinical testing. Allele origin: germline.
Comment: In summary, the available evidence is currently insufficient to determine the role of this variant in disease. Therefore, it has been classified as a Variant of Uncertain Significance. Algorithms developed to predict the effect of missense changes on protein structure and function (SIFT, PolyPhen-2, Align-GVGD) all suggest that this variant is likely to be tolerated. ClinVar contains an entry for this variant (Variation ID: 1469274). This missense change has been observed in individual(s) with STAT1-related conditions (PMID: 27114460, 27808400). This variant is not present in population databases (gnomAD no frequency). This sequence change replaces asparagine, which is neutral and polar, with aspartic acid, which is acidic and polar, at codon 357 of the STAT1 protein (p.Asn357Asp).

Literature cited by the submitters: PubMed 27114460; PubMed 27808400.

NM_007315.4(STAT1):c.1069A>G (p.Asn357Asp)

Gene: STAT1 (signal transducer and activator of transcription 1; minus strand). Cytogenetic location: 2q32.2.
Variant type: single nucleotide variant.
Coding change: c.1069A>G on transcript NM_007315.4 (MANE Select); coding-DNA position 1069, A replaced by G.
Protein change: p.Asn357Asp; replaces asparagine 357 with aspartic acid.
Molecular consequence: missense variant. On other transcripts: intron variant (1).
Genome position (GRCh38, 1-based): chr2:190,989,643, T>C on the plus strand (A>G on the coding strand, the complement: STAT1 is on the minus strand). VCF-style: chr2-190989643-T-C. GRCh37 (hg19) VCF-style: chr2-191854369-T-C.
Other names: c.1075A>G, p.Asn359Asp (NM_001384881.1, NM_001384884.1); c.1069A>G, p.Asn357Asp (NM_001384882.1, NM_001384886.1, NM_001384888.1 and 2 more transcripts); c.970A>G, p.Asn324Asp (NM_001384883.1); c.910A>G, p.Asn304Asp (NM_001384885.1); c.976A>G, p.Asn326Asp (NM_001384887.1); c.979A>G, p.Asn327Asp (NM_001384890.1); c.1105A>G, p.Asn369Asp (NM_001384891.1); c.1037+1585A>G (NM_001384880.1); short protein forms N304D, N324D, N369D, N326D, N327D, N357D, N359D.
Identifiers: ClinVar variation 1469274 (VCV001469274.8), dbSNP rs2125043975, ClinGen allele CA349919948.